The following is an entry in ClinVar:

NM_153717.3(EVC):c.2879C>G (p.Thr960Ser)

Gene: EVC (EvC ciliary complex subunit 1; plus strand). Cytogenetic location: 4p16.2.
Variant type: single nucleotide variant.
Coding change: c.2879C>G on transcript NM_153717.3 (MANE Select); coding-DNA position 2879, C replaced by G.
Protein change: p.Thr960Ser; replaces threonine 960 with serine.
Molecular consequence: missense variant.
Genome position (GRCh38, 1-based): chr4:5,810,435, C>G. VCF-style: chr4-5810435-C-G. GRCh37 (hg19) VCF-style: chr4-5812162-C-G.
Other names: c.2879C>G, p.Thr960Ser (NM_001306090.2); short protein forms T960S.
Identifiers: ClinVar variation 1010896 (VCV001010896.10), dbSNP rs780548102, ClinGen allele CA2836720.

ClinVar aggregate classification (germline): Uncertain significance. Review status: criteria provided, single submitter (1 of 4 stars). 2 submissions from 2 submitters: Uncertain significance (1). 1 of the submissions does not count toward it. Last evaluated 2022-06-27.

Conditions:
Ellis-van Creveld syndrome (EVC). Also called: EVC-Related Ellis-van Creveld Syndrome; EVC2-Related Ellis-van Creveld Syndrome; Chondroectodermal dysplasia; MESOECTODERMAL DYSPLASIA. Identifiers: Orphanet 289, MedGen C0013903, MONDO:0009162, OMIM 225500.
Curry-Hall syndrome (WAD). Also called: WEYERS ACRODENTAL DYSOSTOSIS. Identifiers: Orphanet 952, MedGen C0457013, MONDO:0008673, OMIM 193530.

Allele frequency attached by ClinVar (database versions not stated): gnomAD exomes below 0.00001; TOPMed below 0.00001; ExAC 0.00001.
gnomAD v4.1: 1 of 1,611,942 alleles (0.000062%); highest among the groups gnomAD compares: African/African-American, 0.0013%; no homozygotes.

Submissions (2):

Labcorp Genetics (formerly Invitae), Labcorp
Classification: Uncertain significance for Curry-Hall syndrome; Ellis-van Creveld syndrome. Last evaluated: 2022-06-27. Review status: criteria provided, single submitter. Criteria: Invitae Variant Classification Sherloc (09022015). Collection method: clinical testing. Allele origin: germline.
Comment: In summary, the available evidence is currently insufficient to determine the role of this variant in disease. Therefore, it has been classified as a Variant of Uncertain Significance. Algorithms developed to predict the effect of missense changes on protein structure and function (SIFT, PolyPhen-2, Align-GVGD) all suggest that this variant is likely to be tolerated. This sequence change replaces threonine, which is neutral and polar, with serine, which is neutral and polar, at codon 960 of the EVC protein (p.Thr960Ser). The frequency data for this variant in the population databases is considered unreliable, as metrics indicate poor data quality at this position in the gnomAD database. This variant has not been reported in the literature in individuals affected with EVC-related conditions. ClinVar contains an entry for this variant (Variation ID: 1010896).

Natera, Inc.
Classification: Uncertain significance for Ellis-van Creveld syndrome. Last evaluated: 2021-07-26. Review status: no assertion criteria provided. Collection method: clinical testing. Allele origin: germline. Not counted in ClinVar's aggregate classification.